The following is an entry in ClinVar:

ClinVar aggregate classification (germline): Uncertain significance (1 of 4 stars; one submission).

Allele frequency attached by ClinVar (database versions not stated): gnomAD exomes below 0.00001; ExAC 0.00001.

Submission:

Labcorp Genetics (formerly Invitae), Labcorp
Classification: Uncertain significance. Last evaluated: 2024-12-10. Review status: criteria provided, single submitter. Criteria: Invitae Variant Classification Sherloc (09022015). Collection method: clinical testing. Allele origin: germline.
Comment: This sequence change replaces histidine, which is basic and polar, with tyrosine, which is neutral and polar, at codon 165 of the PLK4 protein (p.His165Tyr). This variant is present in population databases (rs761173968, gnomAD 0.0009%). This variant has not been reported in the literature in individuals affected with PLK4-related conditions. ClinVar contains an entry for this variant (Variation ID: 2100969). An algorithm developed to predict the effect of missense changes on protein structure and function (PolyPhen-2) suggests that this variant is likely to be disruptive. In summary, the available evidence is currently insufficient to determine the role of this variant in disease. Therefore, it has been classified as a Variant of Uncertain Significance.

NM_014264.5(PLK4):c.493C>T (p.His165Tyr)

Gene: PLK4 (polo like kinase 4; plus strand). Cytogenetic location: 4q28.1.
Variant type: single nucleotide variant.
Coding change: c.493C>T on transcript NM_014264.5 (MANE Select); coding-DNA position 493, C replaced by T.
Protein change: p.His165Tyr; replaces histidine 165 with tyrosine.
Molecular consequence: missense variant.
Genome position (GRCh38, 1-based): chr4:127,885,863, C>T. VCF-style: chr4-127885863-C-T. GRCh37 (hg19) VCF-style: chr4-128807018-C-T.
Other names: c.397C>T, p.His133Tyr (NM_001190799.2); c.370C>T, p.His124Tyr (NM_001190801.2); short protein forms H165Y, H124Y, H133Y.
Identifiers: ClinVar variation 2100969 (VCV002100969.4), dbSNP rs761173968, ClinGen allele CA3076590.
Genomic context (GRCh38, chr4:127,885,863, plus strand): 5'-ACTCGTAATATGAACATCAAGATTGCTGATTTTGGGCTGGCAACTCAACTGAAAATGCCA[C>T]ATGAAAAGCACTATACATTATGTGGAACTCCTAACTACATTTCACCAGAAATTGCCACTC-3'
Protein context (NP_055079.3, residues 155-175): FGLATQLKMP[His165Tyr]EKHYTLCGTP